The following is an entry in ClinVar:

ClinVar aggregate classification (germline): Uncertain significance (1 of 4 stars; one submission).

Conditions:
Dilated cardiomyopathy 1J (CMD1J). Also called: CARDIOMYOPATHY, DILATED, WITH SENSORINEURAL HEARING LOSS, AUTOSOMAL DOMINANT. Identifiers: Orphanet 217622, MedGen C1854368, MONDO:0011541, OMIM 605362.

Allele frequency attached by ClinVar (database versions not stated): gnomAD exomes below 0.00001 and 0.00001; TOPMed below 0.00001; gnomAD 0.00001.
gnomAD v4.1: 9 of 1,613,568 alleles (0.00056%); highest among the groups gnomAD compares: Non-Finnish European, 0.00076%; no homozygotes.

Submission:

Labcorp Genetics (formerly Invitae), Labcorp
Classification: Uncertain significance for Dilated cardiomyopathy 1J. Last evaluated: 2025-12-27. Review status: criteria provided, single submitter. Criteria: Invitae Variant Classification Sherloc (09022015). Collection method: clinical testing. Allele origin: germline.
Comment: This sequence change replaces valine, which is neutral and non-polar, with alanine, which is neutral and non-polar, at codon 597 of the EYA4 protein (p.Val597Ala). This variant is present in population databases (no rsID available, gnomAD 0.0009%). This missense change has been observed in individual(s) with deafness (PMID: 33745059). ClinVar contains an entry for this variant (Variation ID: 664039). Invitae Evidence Modeling of protein sequence and biophysical properties (such as structural, functional, and spatial information, amino acid conservation, physicochemical variation, residue mobility, and thermodynamic stability) indicates that this missense variant is not expected to disrupt EYA4 protein function with a negative predictive value of 80%. In summary, the available evidence is currently insufficient to determine the role of this variant in disease. Therefore, it has been classified as a Variant of Uncertain Significance.

Literature cited by the submitters: PubMed 33745059.

NM_004100.5(EYA4):c.1790T>C (p.Val597Ala)

Genes: TARID (TCF21 antisense RNA inducing promoter demethylation; minus strand), EYA4 (EYA transcriptional coactivator and phosphatase 4; plus strand). Cytogenetic location: 6q23.2.
Variant type: single nucleotide variant.
Coding change: c.1790T>C on transcript NM_004100.5 (MANE Select); coding-DNA position 1790, T replaced by C.
Protein change: p.Val597Ala; replaces valine 597 with alanine.
Molecular consequence: missense variant. On other transcripts: intron variant (3).
Genome position (GRCh38, 1-based): chr6:133,525,205, T>C. VCF-style: chr6-133525205-T-C. GRCh37 (hg19) VCF-style: chr6-133846343-T-C.
Other names: c.1721T>C, p.Val574Ala (NM_172103.4); c.1839+90T>C (NM_172105.4); c.1770+90T>C (NM_001370458.1); c.1677+90T>C (NM_001301012.2); c.1808T>C, p.Val603Ala (NM_001301013.2); c.1646T>C, p.Val549Ala (NM_001370459.1); short protein forms V549A, V574A, V597A, V603A.
Identifiers: ClinVar variation 664039 (VCV000664039.8), dbSNP rs1342058204, ClinGen allele CA365700751.
Genomic context (GRCh38, chr6:133,525,205, plus strand): 5'-ATCTTCCAGGAAAAGAAAGTTGCTTTGAACGAATAATGCAAAGGTTTGGCAGAAAAGTAG[T>C]GTATGTTGTAATTGGGGATGGTGTAGAAGAAGAACAGGCAGCAAAAAAGGTAACCTGTCT-3'
Protein context (NP_004091.3, residues 587-607): RIMQRFGRKV[Val597Ala]YVVIGDGVEE